The following is an entry in ClinVar:

NM_018946.4(NANS):c.239C>T (p.Thr80Met)

Genes: NANS (N-acetylneuraminate synthase; plus strand), TRIM14 (tripartite motif containing 14; minus strand). Cytogenetic location: 9q22.33.
Variant type: single nucleotide variant.
Coding change: c.239C>T on transcript NM_018946.4 (MANE Select); coding-DNA position 239, C replaced by T.
Protein change: p.Thr80Met; replaces threonine 80 with methionine.
Molecular consequence: missense variant.
Genome position (GRCh38, 1-based): chr9:98,060,888, C>T. VCF-style: chr9-98060888-C-T. GRCh37 (hg19) VCF-style: chr9-100823170-C-T.
Other names: c.239C>T (NM_018946.3); short protein forms T80M.
Identifiers: ClinVar variation 1930647 (VCV001930647.5), dbSNP rs773554497, ClinGen allele CA5150217.
Genomic context (GRCh38, chr9:98,060,888, plus strand): 5'-TCAAGTTTAATCGGAAAGCCTTGGAGAGGCCATACACCTCGAAGCATTCCTGGGGGAAGA[C>T]GTACGGGGAGCACAAACGACATCTGGAGTTCAGCCATGACCAGTACAGGGAGCTGCAGAG-3'
Protein context (NP_061819.2, residues 70-90): PYTSKHSWGK[Thr80Met]YGEHKRHLEF

ClinVar aggregate classification (germline): Uncertain significance. Review status: criteria provided, multiple submitters, no conflicts (2 of 4 stars). 2 submissions from 2 submitters: Uncertain significance (2). Last evaluated 2024-04-29.

Conditions:
Inborn genetic diseases. Identifiers: MedGen C0950123, MeSH D030342.

Allele frequency attached by ClinVar (database versions not stated): gnomAD 0.00001; TOPMed 0.00002; gnomAD exomes 0.00004; ExAC 0.00005.
gnomAD v4.1: 56 of 1,614,020 alleles (0.0035%); highest among the groups gnomAD compares: South Asian, 0.03%; no homozygotes.

Submissions (2):

Labcorp Genetics (formerly Invitae), Labcorp
Classification: Uncertain significance. Last evaluated: 2024-04-29. Review status: criteria provided, single submitter. Criteria: Invitae Variant Classification Sherloc (09022015). Collection method: clinical testing. Allele origin: germline.
Comment: This sequence change replaces threonine, which is neutral and polar, with methionine, which is neutral and non-polar, at codon 80 of the NANS protein (p.Thr80Met). This variant is present in population databases (rs773554497, gnomAD 0.05%). This variant has not been reported in the literature in individuals affected with NANS-related conditions. ClinVar contains an entry for this variant (Variation ID: 1930647). An algorithm developed to predict the effect of missense changes on protein structure and function (PolyPhen-2) suggests that this variant is likely to be disruptive. In summary, the available evidence is currently insufficient to determine the role of this variant in disease. Therefore, it has been classified as a Variant of Uncertain Significance.

Ambry Genetics
Classification: Uncertain significance for Inborn genetic diseases. Last evaluated: 2024-01-17. Review status: criteria provided, single submitter. Criteria: Ambry Variant Classification Scheme 2023. Collection method: clinical testing. Allele origin: germline.